The following is an entry in ClinVar:

ClinVar aggregate classification (germline): Pathogenic. Review status: criteria provided, single submitter (1 of 4 stars). 2 submissions from 2 submitters: Pathogenic (1). 1 of the submissions does not count toward it. Last evaluated 2025-05-13.

Conditions:
YU-KURY NEURODEVELOPMENTAL SYNDROME (YKNS). Identifiers: MedGen CN381608, OMIM 621565.

Submissions (2):

Ambry Genetics
Classification: Pathogenic. Last evaluated: 2025-05-13. Review status: criteria provided, single submitter. Criteria: Ambry Variant Classification Scheme 2023. Collection method: clinical testing. Allele origin: germline.
Comment: The c.973C>T (p.R325W) alteration is located in exon 10 (coding exon 10) of the PSMC5 gene. This alteration results from a C to T substitution at nucleotide position 973, causing the arginine (R) at amino acid position 325 to be replaced by a tryptophan (W). This variant was not reported in population-based cohorts in the Genome Aggregation Database (gnomAD). This variant was reported in individuals with features consistent with craniosynostosis and PSMC5-related neurodevelopmental disorder; in at least one individual, it was determined to be de novo (Timberlake, 2017; Hamanaka, 2022; Kury, 2024; Yu, 2024; DECIPHER). This amino acid position is highly conserved in available vertebrate species. This alteration is predicted to be deleterious by in silico analysis. Based on the available evidence, this alteration is classified as pathogenic.

OMIM
Classification: Pathogenic for YU-KURY NEURODEVELOPMENTAL SYNDROME. Last evaluated: 2026-04-16. Review status: no assertion criteria provided. Collection method: literature only. Allele origin: germline. Not counted in ClinVar's aggregate classification.

Literature cited by the submitters: PubMed 28808027 (cited by Ambry Genetics); PubMed 35468861 (cited by Ambry Genetics); PubMed 38293138 (cited by Ambry Genetics); PubMed 38776958 (cited by Ambry Genetics and OMIM); Kury, S. Personal Communication. 2026. Nantes, France (cited by OMIM); PubMed 41298377 (cited by OMIM).

NM_002805.6(PSMC5):c.973C>T (p.Arg325Trp)

Gene: PSMC5 (proteasome 26S subunit, ATPase 5; plus strand). Cytogenetic location: 17q23.3.
Variant type: single nucleotide variant.
Coding change: c.973C>T on transcript NM_002805.6 (MANE Select); coding-DNA position 973, C replaced by T.
Protein change: p.Arg325Trp; replaces arginine 325 with tryptophan.
Molecular consequence: missense variant.
Genome position (GRCh38, 1-based): chr17:63,831,509, C>T. VCF-style: chr17-63831509-C-T. GRCh37 (hg19) VCF-style: chr17-61908869-C-T.
Other names: c.949C>T, p.Arg317Trp (NM_001199163.2); short protein forms R317W, R325W.
Identifiers: ClinVar variation 3939663 (VCV003939663.2).